The following is an entry in ClinVar:

NM_003000.3(SDHB):c.545G>C (p.Gly182Ala)

Gene: SDHB (succinate dehydrogenase complex iron sulfur subunit B; minus strand). Cytogenetic location: 1p36.13.
Variant type: single nucleotide variant.
Coding change: c.545G>C on transcript NM_003000.3 (MANE Select); coding-DNA position 545, G replaced by C.
Protein change: p.Gly182Ala; replaces glycine 182 with alanine.
Molecular consequence: missense variant.
Genome position (GRCh38, 1-based): chr1:17,024,070, C>G on the plus strand (G>C on the coding strand, the complement: SDHB is on the minus strand). VCF-style: chr1-17024070-C-G. GRCh37 (hg19) VCF-style: chr1-17350565-C-G.
Other names: short protein forms G182A.
Identifiers: ClinVar variation 825752 (VCV000825752.9), dbSNP rs1570945931, ClinGen allele CA338271457.

ClinVar aggregate classification (germline): Uncertain significance. Review status: criteria provided, multiple submitters, no conflicts (2 of 4 stars). 2 submissions from 2 submitters: Uncertain significance (2). Last evaluated 2026-07-20.

Conditions:
Hereditary cancer-predisposing syndrome. Also called: Tumor predisposition; Hereditary neoplastic syndrome; Neoplastic Syndromes, Hereditary; Hereditary Cancer Syndrome. Identifiers: Orphanet 140162, MedGen C0027672, MeSH D009386, MONDO:0015356.
Pheochromocytoma/paraganglioma syndrome 4. Also called: PARAGANGLIOMA, FAMILIAL MALIGNANT; PARAGANGLIOMAS, HEREDITARY EXTRAADRENAL; PHEOCHROMOCYTOMA, FAMILIAL EXTRAADRENAL; Paragangliomas 4; SDHB-Related Hereditary Paraganglioma-Pheochromocytoma Syndrome (Paragangliomas 4); SDHB-Related Hereditary Paraganglioma-Pheochromocytoma Syndrome. Identifiers: Orphanet 29072, MedGen C1861848, MONDO:0007273, OMIM 115310.
Gastrointestinal stromal tumor. Also called: Gastrointestinal stroma tumor; Gastrointestinal stromal tumor, somatic. Identifiers: Orphanet 44890, MedGen C0238198, MeSH D046152, MONDO:0011719, OMIM 606764, HP:0100723.
Pheochromocytoma. Also called: MAX-Related Hereditary Paraganglioma-Pheochromocytoma Syndrome. Identifiers: Orphanet 29072, MedGen C0031511, MONDO:0008233, OMIM 171300, HP:0002666.

Allele frequency attached by ClinVar (database versions not stated): gnomAD exomes 0.00001.
gnomAD v4.1: 9 of 1,612,076 alleles (0.00056%); highest among the groups gnomAD compares: Non-Finnish European, 0.00076%; no homozygotes.

Submissions (2):

Ambry Genetics
Classification: Uncertain significance for Hereditary cancer-predisposing syndrome. Last evaluated: 2026-07-20. Review status: criteria provided, single submitter. Criteria: Ambry Variant Classification Scheme 2023. Collection method: clinical testing. Allele origin: germline.
Comment: The p.G182A variant (also known as c.545G>C), located in coding exon 6 of the SDHB gene, results from a G to C substitution at nucleotide position 545. The glycine at codon 182 is replaced by alanine, an amino acid with similar properties. This amino acid position is highly conserved in available vertebrate species. In addition, this alteration is predicted to be deleterious by in silico analysis. Since supporting evidence is limited at this time, the clinical significance of this alteration remains unclear.

Labcorp Genetics (formerly Invitae), Labcorp
Classification: Uncertain significance for Gastrointestinal stromal tumor; Pheochromocytoma/paraganglioma syndrome 4; Pheochromocytoma. Last evaluated: 2023-05-25. Review status: criteria provided, single submitter. Criteria: Invitae Variant Classification Sherloc (09022015). Collection method: clinical testing. Allele origin: germline.
Comment: This variant is not present in population databases (gnomAD no frequency). In summary, the available evidence is currently insufficient to determine the role of this variant in disease. Therefore, it has been classified as a Variant of Uncertain Significance. Advanced modeling of protein sequence and biophysical properties (such as structural, functional, and spatial information, amino acid conservation, physicochemical variation, residue mobility, and thermodynamic stability) performed at Invitae indicates that this missense variant is expected to disrupt SDHB protein function. ClinVar contains an entry for this variant (Variation ID: 825752). This variant has not been reported in the literature in individuals affected with SDHB-related conditions. This sequence change replaces glycine, which is neutral and non-polar, with alanine, which is neutral and non-polar, at codon 182 of the SDHB protein (p.Gly182Ala).